The following is an entry in ClinVar:

ClinVar aggregate classification (germline): Uncertain significance (1 of 4 stars; one submission).

Allele frequency attached by ClinVar (database versions not stated): gnomAD exomes 0.00001; gnomAD 0.00003.
gnomAD v4.1: 11 of 1,612,732 alleles (0.00068%); highest among the groups gnomAD compares: East Asian, 0.0045%; no homozygotes.

Submission:

Labcorp Genetics (formerly Invitae), Labcorp
Classification: Uncertain significance. Last evaluated: 2023-08-17. Review status: criteria provided, single submitter. Criteria: Invitae Variant Classification Sherloc (09022015). Collection method: clinical testing. Allele origin: germline.
Comment: This sequence change replaces arginine, which is basic and polar, with tryptophan, which is neutral and slightly polar, at codon 240 of the DNAJC21 protein (p.Arg240Trp). This variant is present in population databases (no rsID available, gnomAD 0.005%). This variant has not been reported in the literature in individuals affected with DNAJC21-related conditions. An algorithm developed to predict the effect of missense changes on protein structure and function (PolyPhen-2) suggests that this variant is likely to be tolerated. In summary, the available evidence is currently insufficient to determine the role of this variant in disease. Therefore, it has been classified as a Variant of Uncertain Significance.

NM_001012339.3(DNAJC21):c.718C>T (p.Arg240Trp)

Gene: DNAJC21 (DnaJ heat shock protein family (Hsp40) member C21; plus strand). Cytogenetic location: 5p13.2.
Variant type: single nucleotide variant.
Coding change: c.718C>T on transcript NM_001012339.3 (MANE Select); coding-DNA position 718, C replaced by T.
Protein change: p.Arg240Trp; replaces arginine 240 with tryptophan.
Molecular consequence: missense variant.
Genome position (GRCh38, 1-based): chr5:34,937,605, C>T. VCF-style: chr5-34937605-C-T. GRCh37 (hg19) VCF-style: chr5-34937710-C-T.
Other names: c.718C>T, p.Arg240Trp (NM_001348420.2, NM_194283.4); short protein forms R240W.
Identifiers: ClinVar variation 2749752 (VCV002749752.3), dbSNP rs901238575, ClinGen allele CA116891239.